The following is an entry in ClinVar:

ClinVar aggregate classification (germline): Uncertain significance (1 of 4 stars; one submission).

Submission:

Labcorp Genetics (formerly Invitae), Labcorp
Classification: Uncertain significance. Last evaluated: 2022-11-08. Review status: criteria provided, single submitter. Criteria: Invitae Variant Classification Sherloc (09022015). Collection method: clinical testing. Allele origin: germline.
Comment: In summary, the available evidence is currently insufficient to determine the role of this variant in disease. Therefore, it has been classified as a Variant of Uncertain Significance. Algorithms developed to predict the effect of missense changes on protein structure and function are either unavailable or do not agree on the potential impact of this missense change (SIFT: "Not Available"; PolyPhen-2: "Possibly Damaging"; Align-GVGD: "Not Available"). This variant has not been reported in the literature in individuals affected with MYO18B-related conditions. This variant is not present in population databases (gnomAD no frequency). This sequence change replaces lysine, which is basic and polar, with glutamic acid, which is acidic and polar, at codon 1371 of the MYO18B protein (p.Lys1371Glu).

NM_032608.7(MYO18B):c.4111A>G (p.Lys1371Glu)

Gene: MYO18B (myosin XVIIIB; plus strand). Cytogenetic location: 22q12.1.
Variant type: single nucleotide variant.
Coding change: c.4111A>G on transcript NM_032608.7 (MANE Select); coding-DNA position 4111, A replaced by G.
Protein change: p.Lys1371Glu; replaces lysine 1371 with glutamic acid.
Molecular consequence: missense variant.
Genome position (GRCh38, 1-based): chr22:25,876,219, A>G. VCF-style: chr22-25876219-A-G. GRCh37 (hg19) VCF-style: chr22-26272186-A-G.
Other names: c.4114A>G, p.Lys1372Glu (NM_001318245.2); short protein forms K1371E, K1372E.
Identifiers: ClinVar variation 2127194 (VCV002127194.2), dbSNP rs2517716398, ClinGen allele CA411007298.